The following is an entry in ClinVar:

ClinVar aggregate classification (germline): Uncertain significance (1 of 4 stars; one submission).

Submission:

Mayo Clinic Laboratories, Mayo Clinic
Classification: Uncertain significance. Last evaluated: 2023-06-30. Review status: criteria provided, single submitter. Criteria: ACMG Guidelines, 2015. Collection method: clinical testing. Allele origin: germline. Observed: 1 variant allele.
Comment: BP4, PM2_moderate

NM_206933.4(USH2A):c.13910C>T (p.Pro4637Leu)

Gene: USH2A (usherin; minus strand). Cytogenetic location: 1q41.
Variant type: single nucleotide variant.
Coding change: c.13910C>T on transcript NM_206933.4 (MANE Select); coding-DNA position 13910, C replaced by T.
Protein change: p.Pro4637Leu; replaces proline 4637 with leucine.
Molecular consequence: missense variant.
Genome position (GRCh38, 1-based): chr1:215,671,195, G>A on the plus strand (C>T on the coding strand, the complement: USH2A is on the minus strand). VCF-style: chr1-215671195-G-A. GRCh37 (hg19) VCF-style: chr1-215844537-G-A.
Other names: p.Pro4637Leu; short protein forms P4637L.
Identifiers: ClinVar variation 3380609 (VCV003380609.1).